The following is an entry in ClinVar:

ClinVar aggregate classification (germline): Uncertain significance (1 of 4 stars; one submission).

Submission:

Labcorp Genetics (formerly Invitae), Labcorp
Classification: Uncertain significance. Last evaluated: 2025-02-04. Review status: criteria provided, single submitter. Criteria: Invitae Variant Classification Sherloc (09022015). Collection method: clinical testing. Allele origin: germline.
Comment: This sequence change replaces alanine, which is neutral and non-polar, with valine, which is neutral and non-polar, at codon 2344 of the HIVEP2 protein (p.Ala2344Val). This variant is not present in population databases (gnomAD no frequency). This variant has not been reported in the literature in individuals affected with HIVEP2-related conditions. An algorithm developed to predict the effect of missense changes on protein structure and function (PolyPhen-2) suggests that this variant is likely to be tolerated. In summary, the available evidence is currently insufficient to determine the role of this variant in disease. Therefore, it has been classified as a Variant of Uncertain Significance.

NM_006734.4(HIVEP2):c.7031C>T (p.Ala2344Val)

Gene: HIVEP2 (HIVEP zinc finger 2; minus strand). Cytogenetic location: 6q24.2.
Variant type: single nucleotide variant.
Coding change: c.7031C>T on transcript NM_006734.4 (MANE Select); coding-DNA position 7031, C replaced by T.
Protein change: p.Ala2344Val; replaces alanine 2344 with valine.
Molecular consequence: missense variant.
Genome position (GRCh38, 1-based): chr6:142,753,417, G>A on the plus strand (C>T on the coding strand, the complement: HIVEP2 is on the minus strand). VCF-style: chr6-142753417-G-A. GRCh37 (hg19) VCF-style: chr6-143074554-G-A.
Other names: c.7031C>T, p.Ala2344Val (NM_001438449.1, NM_001438450.1, NM_001438451.1); short protein forms A2344V.
Identifiers: ClinVar variation 4712267 (VCV004712267.1).